The following is an entry in ClinVar:

NM_016333.4(SRRM2):c.7199C>T (p.Pro2400Leu)

Gene: SRRM2 (serine/arginine repetitive matrix 2; plus strand). Cytogenetic location: 16p13.3.
Variant type: single nucleotide variant.
Coding change: c.7199C>T on transcript NM_016333.4 (MANE Select); coding-DNA position 7199, C replaced by T.
Protein change: p.Pro2400Leu; replaces proline 2400 with leucine.
Molecular consequence: missense variant.
Genome position (GRCh38, 1-based): chr16:2,767,727, C>T. VCF-style: chr16-2767727-C-T. GRCh37 (hg19) VCF-style: chr16-2817728-C-T.
Other names: short protein forms P2400L.
Identifiers: ClinVar variation 2285604 (VCV002285604.26), dbSNP rs766069252, ClinGen allele CA7848990.

ClinVar aggregate classification (germline): Conflicting classifications of pathogenicity. Review status: criteria provided, conflicting classifications (1 of 4 stars). 2 submissions from 2 submitters: Uncertain significance (1); Likely benign (1). Last evaluated 2023-10-01.

Conditions:
Inborn genetic diseases. Identifiers: MedGen C0950123, MeSH D030342.

Allele frequency attached by ClinVar (database versions not stated): ExAC 0.00001; gnomAD exomes 0.00001.
gnomAD v4.1: 19 of 1,613,758 alleles (0.0012%); highest among the groups gnomAD compares: South Asian, 0.0077%; no homozygotes.

Submissions (2):

CeGaT Center for Human Genetics Tuebingen
Classification: Likely benign. Last evaluated: 2023-10-01. Review status: criteria provided, single submitter. Criteria: CeGaT Center For Human Genetics Tuebingen Variant Classification Criteria Version 2. Collection method: clinical testing. Allele origin: germline. Affected: yes. Observed: 1 variant allele.
Comment: SRRM2: BP4

Ambry Genetics
Classification: Uncertain significance for Inborn genetic diseases. Last evaluated: 2022-04-25. Review status: criteria provided, single submitter. Criteria: Ambry Variant Classification Scheme 2023. Collection method: clinical testing. Allele origin: germline.